The following is an entry in ClinVar:

ClinVar aggregate classification (germline): Uncertain significance (1 of 4 stars; one submission).

Submission:

Women's Health and Genetics/Laboratory Corporation of America, LabCorp
Classification: Uncertain significance. Last evaluated: 2025-11-13. Review status: criteria provided, single submitter. Criteria: LabCorp Variant Classification Summary - May 2015. Collection method: clinical testing. Allele origin: germline.
Comment: Variant summary: PKHD1 c.5075G>T (p.Cys1692Phe) results in a non-conservative amino acid change in the encoded protein sequence. Algorithms developed to predict the effect of missense changes on protein structure and function all suggest that this variant is likely to be disruptive. The variant was absent in 251386 control chromosomes. The available data on variant occurrences in the general population are insufficient to allow any conclusion about variant significance. To our knowledge, no occurrence of c.5075G>T in individuals affected with PKHD1-related conditions and no experimental evidence demonstrating its impact on protein function have been reported. No submitters have cited clinical-significance assessments for this variant to ClinVar. Based on the evidence outlined above, the variant was classified as uncertain significance.

NM_138694.4(PKHD1):c.5075G>T (p.Cys1692Phe)

Genes: PKHD1 (PKHD1 ciliary IPT domain containing fibrocystin/polyductin; minus strand), LOC126859690 (MED14-independent group 3 enhancer GRCh37_chr6:51888848-51890047; plus strand). Cytogenetic location: 6p12.2.
Variant type: single nucleotide variant.
Coding change: c.5075G>T on transcript NM_138694.4 (MANE Select); coding-DNA position 5075, G replaced by T.
Protein change: p.Cys1692Phe; replaces cysteine 1692 with phenylalanine.
Molecular consequence: missense variant.
Genome position (GRCh38, 1-based): chr6:52,024,735, C>A on the plus strand (G>T on the coding strand, the complement: PKHD1 is on the minus strand). VCF-style: chr6-52024735-C-A. GRCh37 (hg19) VCF-style: chr6-51889533-C-A.
Other names: c.5075G>T, p.Cys1692Phe (NM_170724.3); short protein forms C1692F.
Identifiers: ClinVar variation 4536741 (VCV004536741.1).